The following is an entry in ClinVar:

ClinVar aggregate classification (germline): Likely benign (1 of 4 stars; one submission).

Allele frequency attached by ClinVar (database versions not stated): TOPMed 0.00048; 1000 Genomes Project 30x 0.00062; gnomAD exomes 0.00103; ESP Exome Variant Server 0.00077; gnomAD 0.00166; 1000 Genomes Project 0.00080; ExAC 0.00163.
gnomAD v4.1: 1,745 of 1,613,928 alleles (0.11%); highest among the groups gnomAD compares: Non-Finnish European, 0.081%; 8 homozygotes.

Submission:

CeGaT Center for Human Genetics Tuebingen
Classification: Likely benign. Last evaluated: 2023-01-01. Review status: criteria provided, single submitter. Criteria: CeGaT Center For Human Genetics Tuebingen Variant Classification Criteria Version 2. Collection method: clinical testing. Allele origin: germline. Affected: yes. Observed: 1 variant allele.
Comment: CAMK1: BP4, BP7

NM_003656.5(CAMK1):c.234T>C (p.Ile78=)

Genes: CAMK1 (calcium/calmodulin dependent protein kinase I; minus strand), OGG1 (8-oxoguanine DNA glycosylase; plus strand). Cytogenetic location: 3p25.3.
Variant type: single nucleotide variant.
Coding change: c.234T>C on transcript NM_003656.5 (MANE Select); coding-DNA position 234, T replaced by C.
Protein change: p.Ile78=; no amino-acid change (isoleucine 78 retained).
Molecular consequence: synonymous variant. On other transcripts: intron variant (14).
Genome position (GRCh38, 1-based): chr3:9,763,195, A>G on the plus strand (T>C on the coding strand, the complement: CAMK1 is on the minus strand). VCF-style: chr3-9763195-A-G. GRCh37 (hg19) VCF-style: chr3-9804879-A-G.
Other names: c.948+6379A>G (NM_001434445.1, NM_001434448.1); c.565+11246A>G (NM_001434446.1, NM_001434449.1); c.797+6379A>G (NM_001434450.1); c.747+8310A>G (NM_001434447.1); c.1049-2614A>G (NM_016828.3); c.*33-2614A>G (NM_016829.3); c.949-2614A>G (NM_016821.3); c.899-2614A>G (NM_001354651.2); and 4 more.
Identifiers: ClinVar variation 2653501 (VCV002653501.22), dbSNP rs138408472, ClinGen allele CA2243297.